The following is an entry in ClinVar:

ClinVar aggregate classification (germline): Uncertain significance (1 of 4 stars; one submission).

Submission:

Labcorp Genetics (formerly Invitae), Labcorp
Classification: Uncertain significance. Last evaluated: 2024-03-25. Review status: criteria provided, single submitter. Criteria: Invitae Variant Classification Sherloc (09022015). Collection method: clinical testing. Allele origin: germline.
Comment: This sequence change replaces isoleucine, which is neutral and non-polar, with valine, which is neutral and non-polar, at codon 517 of the COL8A2 protein (p.Ile517Val). This variant is not present in population databases (gnomAD no frequency). This variant has not been reported in the literature in individuals affected with COL8A2-related conditions. Experimental studies and prediction algorithms are not available or were not evaluated, and the functional significance of this variant is currently unknown. In summary, the available evidence is currently insufficient to determine the role of this variant in disease. Therefore, it has been classified as a Variant of Uncertain Significance.

NM_005202.4(COL8A2):c.1549A>G (p.Ile517Val)

Gene: COL8A2 (collagen type VIII alpha 2 chain; minus strand). Cytogenetic location: 1p34.3.
Variant type: single nucleotide variant.
Coding change: c.1549A>G on transcript NM_005202.4 (MANE Select); coding-DNA position 1549, A replaced by G.
Protein change: p.Ile517Val; replaces isoleucine 517 with valine.
Molecular consequence: missense variant.
Genome position (GRCh38, 1-based): chr1:36,098,132, T>C on the plus strand (A>G on the coding strand, the complement: COL8A2 is on the minus strand). VCF-style: chr1-36098132-T-C. GRCh37 (hg19) VCF-style: chr1-36563733-T-C.
Other names: c.1354A>G, p.Ile452Val (NM_001294347.2); short protein forms I452V, I517V.
Identifiers: ClinVar variation 3647577 (VCV003647577.2).